The following is an entry in ClinVar:

NM_002637.4(PHKA1):c.3072+1G>T

Gene: PHKA1 (phosphorylase kinase regulatory subunit alpha 1; minus strand). Cytogenetic location: Xq13.1.
Variant type: single nucleotide variant.
Coding change: c.3072+1G>T on transcript NM_002637.4 (MANE Select); the canonical splice donor site of the intron after coding-DNA position 3072, G replaced by T.
Molecular consequence: splice donor variant. On other transcripts: intron variant (2).
Genome position (GRCh38, 1-based): chrX:72,601,990, C>A on the plus strand (G>T on the coding strand, the complement: PHKA1 is on the minus strand). VCF-style: chrX-72601990-C-A. GRCh37 (hg19) VCF-style: chrX-71821840-C-A.
Other names: c.2856+168G>T (NM_001172436.2); c.3033+168G>T (NM_001122670.2); c.3072+1G>T (NM_001431068.1).
Identifiers: ClinVar variation 3701222 (VCV003701222.2).

ClinVar aggregate classification (germline): Likely pathogenic (1 of 4 stars; one submission).

Conditions:
Glycogen storage disease IXd (GSD9D). Also called: GSD IXd; Muscle Phosphorylase Kinase Deficiency. Identifiers: Orphanet 715, MedGen C1845151, MONDO:0010362, OMIM 300559.

gnomAD v4.1: 1 of 1,193,138 alleles (0.000084%); highest among the groups gnomAD compares: Non-Finnish European, 0.00011%; no homozygotes.

Submission:

Labcorp Genetics (formerly Invitae), Labcorp
Classification: Likely pathogenic for Glycogen storage disease IXd. Last evaluated: 2024-06-29. Review status: criteria provided, single submitter. Criteria: Invitae Variant Classification Sherloc (09022015). Collection method: clinical testing. Allele origin: germline.
Comment: This sequence change affects a donor splice site in intron 28 of the PHKA1 gene. It is expected to disrupt RNA splicing. Variants that disrupt the donor or acceptor splice site typically lead to a loss of protein function (PMID: 16199547), and loss-of-function variants in PHKA1 are known to be pathogenic (PMID: 9731190, 15637709). This variant is not present in population databases (gnomAD no frequency). This variant has not been reported in the literature in individuals affected with PHKA1-related conditions. Algorithms developed to predict the effect of sequence changes on RNA splicing suggest that this variant may disrupt the consensus splice site. In summary, the currently available evidence indicates that the variant is pathogenic, but additional data are needed to prove that conclusively. Therefore, this variant has been classified as Likely Pathogenic.

Literature cited by the submitters: PubMed 16199547; PubMed 9731190; PubMed 15637709.